The following is an entry in ClinVar:

NM_001999.4(FBN2):c.5824C>G (p.Pro1942Ala)

Gene: FBN2 (fibrillin 2; minus strand). Cytogenetic location: 5q23.3.
Variant type: single nucleotide variant.
Coding change: c.5824C>G on transcript NM_001999.4 (MANE Select); coding-DNA position 5824, C replaced by G.
Protein change: p.Pro1942Ala; replaces proline 1942 with alanine.
Molecular consequence: missense variant.
Genome position (GRCh38, 1-based): chr5:128,303,066, G>C on the plus strand (C>G on the coding strand, the complement: FBN2 is on the minus strand). VCF-style: chr5-128303066-G-C. GRCh37 (hg19) VCF-style: chr5-127638758-G-C.
Other names: short protein forms P1942A.
Identifiers: ClinVar variation 1329816 (VCV001329816.2), dbSNP rs761603109, ClinGen allele CA3394573.

ClinVar aggregate classification (germline): Uncertain significance (1 of 4 stars; one submission).

Allele frequency attached by ClinVar (database versions not stated): gnomAD exomes below 0.00001; ExAC 0.00001.
gnomAD v4.1: 1 of 1,610,088 alleles (0.000062%); highest among the groups gnomAD compares: South Asian, 0.0011%; no homozygotes.

Submission:

GeneDx
Classification: Uncertain significance. Last evaluated: 2021-06-25. Review status: criteria provided, single submitter. Criteria: GeneDx Variant Classification Process June 2021. Collection method: clinical testing. Allele origin: germline. Affected: yes.
Comment: Has not been previously published as pathogenic or benign to our knowledge; Not observed at significant frequency in large population cohorts (Lek et al., 2016); In silico analysis supports that this missense variant has a deleterious effect on protein structure/function; Although located in a calcium-binding EGF-like domain of the FBN2 gene, it does not affect a cysteine residue within this domain; cysteine substitutions in the calcium-binding EGF-like domains represent the majority of pathogenic missense changes associated with FBN2-related disorders (Frederic et al., 2009).; This variant is associated with the following publications: (PMID: 18767143, 27535533)